The following is an entry in ClinVar:

NM_000127.3(EXT1):c.407C>A (p.Ala136Glu)

Gene: EXT1 (exostosin glycosyltransferase 1; minus strand). Cytogenetic location: 8q24.11.
Variant type: single nucleotide variant.
Coding change: c.407C>A on transcript NM_000127.3 (MANE Select); coding-DNA position 407, C replaced by A.
Protein change: p.Ala136Glu; replaces alanine 136 with glutamic acid.
Molecular consequence: missense variant.
Genome position (GRCh38, 1-based): chr8:118,110,640, G>T on the plus strand (C>A on the coding strand, the complement: EXT1 is on the minus strand). VCF-style: chr8-118110640-G-T. GRCh37 (hg19) VCF-style: chr8-119122879-G-T.
Other names: short protein forms A136E.
Identifiers: ClinVar variation 2747859 (VCV002747859.3), dbSNP rs2130043643, ClinGen allele CA371915918.
Genomic context (GRCh38, chr8:118,110,640, plus strand): 5'-AGGACAAAGAGGCACGCCTGGCTGGGGTCCGAGGTGTAGAACCTGGAGCCCTCGATGGCC[G>T]CTAGAATGTTTTGGTAACTTTCGGCGATTTTCTCCCCTTTTTGCTGTGGGTATACGTAGA-3'
Protein context (NP_000118.2, residues 126-146): KIAESYQNIL[Ala136Glu]AIEGSRFYTS

ClinVar aggregate classification (germline): Uncertain significance (1 of 4 stars; one submission).

Conditions:
Multiple congenital exostosis (EXT). Also called: Multiple exostoses; Hereditary multiple osteochondromas; Hereditary multiple exostoses; Hereditary multiple exostosis; Multiple osteochondromas; MULTIPLE CARTILAGINOUS EXOSTOSES. Identifiers: Orphanet 321, MedGen C0015306, MONDO:0005508, HP:0002762.

Submission:

Labcorp Genetics (formerly Invitae), Labcorp
Classification: Uncertain significance for Multiple congenital exostosis. Last evaluated: 2023-08-02. Review status: criteria provided, single submitter. Criteria: Invitae Variant Classification Sherloc (09022015). Collection method: clinical testing. Allele origin: germline.
Comment: In summary, the available evidence is currently insufficient to determine the role of this variant in disease. Therefore, it has been classified as a Variant of Uncertain Significance. Advanced modeling of protein sequence and biophysical properties (such as structural, functional, and spatial information, amino acid conservation, physicochemical variation, residue mobility, and thermodynamic stability) performed at Invitae indicates that this missense variant is not expected to disrupt EXT1 protein function. This variant has not been reported in the literature in individuals affected with EXT1-related conditions. This variant is not present in population databases (gnomAD no frequency). This sequence change replaces alanine, which is neutral and non-polar, with glutamic acid, which is acidic and polar, at codon 136 of the EXT1 protein (p.Ala136Glu).